The following is an entry in ClinVar:

ClinVar aggregate classification (germline): Uncertain significance (1 of 4 stars; one submission).

Conditions:
Naxos disease (NXD). Also called: PALMOPLANTAR KERATODERMA WITH ARRHYTHMOGENIC RIGHT VENTRICULAR CARDIOMYOPATHY AND WOOLLY HAIR; WOOLLY HAIR, PALMOPLANTAR KERATODERMA, AND CARDIAC ABNORMALITIES; KERATOSIS PALMOPLANTARIS WITH ARRHYTHMOGENIC CARDIOMYOPATHY; MAL DE NAXOS; CARDIOMYOPATHY, ARRHYTHMOGENIC RIGHT VENTRICULAR, WITH SKIN, HAIR, AND NAIL ABNORMALITIES. Identifiers: Orphanet 34217, MedGen C1832600, MONDO:0011017, OMIM 601214.
Arrhythmogenic right ventricular dysplasia 12. Also called: ARRHYTHMOGENIC RIGHT VENTRICULAR DYSPLASIA, FAMILIAL, 12. Identifiers: MedGen C1969081, MONDO:0012684, OMIM 611528.

Submission:

Labcorp Genetics (formerly Invitae), Labcorp
Classification: Uncertain significance for Arrhythmogenic right ventricular dysplasia 12; Naxos disease. Last evaluated: 2021-04-23. Review status: criteria provided, single submitter. Criteria: Invitae Variant Classification Sherloc (09022015). Collection method: clinical testing. Allele origin: germline.
Comment: In summary, the available evidence is currently insufficient to determine the role of this variant in disease. Therefore, it has been classified as a Variant of Uncertain Significance. Algorithms developed to predict the effect of missense changes on protein structure and function are either unavailable or do not agree on the potential impact of this missense change (SIFT: "Deleterious"; PolyPhen-2: "Probably Damaging"; Align-GVGD: "Class C0"). This variant has not been reported in the literature in individuals with JUP-related conditions. This variant is not present in population databases (ExAC no frequency). This sequence change replaces cysteine with arginine at codon 291 of the JUP protein (p.Cys291Arg). The cysteine residue is moderately conserved and there is a large physicochemical difference between cysteine and arginine.

NM_002230.4(JUP):c.871T>C (p.Cys291Arg)

Gene: JUP (junction plakoglobin; minus strand). Cytogenetic location: 17q21.2.
Variant type: single nucleotide variant.
Coding change: c.871T>C on transcript NM_002230.4 (MANE Select); coding-DNA position 871, T replaced by C.
Protein change: p.Cys291Arg; replaces cysteine 291 with arginine.
Molecular consequence: missense variant.
Genome position (GRCh38, 1-based): chr17:41,767,417, A>G on the plus strand (T>C on the coding strand, the complement: JUP is on the minus strand). VCF-style: chr17-41767417-A-G. GRCh37 (hg19) VCF-style: chr17-39923669-A-G.
Other names: c.871T>C, p.Cys291Arg (NM_001352773.2, NM_001352774.2, NM_001352775.2 and 3 more transcripts); short protein forms C291R.
Identifiers: ClinVar variation 1451106 (VCV001451106.8), dbSNP rs2143649566, ClinGen allele CA399500721.